The following is an entry in ClinVar:

NM_018127.7(ELAC2):c.224A>G (p.Tyr75Cys)

Gene: ELAC2 (elaC ribonuclease Z 2; minus strand). Cytogenetic location: 17p12.
Variant type: single nucleotide variant.
Coding change: c.224A>G on transcript NM_018127.7 (MANE Select); coding-DNA position 224, A replaced by G.
Protein change: p.Tyr75Cys; replaces tyrosine 75 with cysteine.
Molecular consequence: missense variant.
Genome position (GRCh38, 1-based): chr17:13,017,724, T>C on the plus strand (A>G on the coding strand, the complement: ELAC2 is on the minus strand). VCF-style: chr17-13017724-T-C. GRCh37 (hg19) VCF-style: chr17-12921041-T-C.
Other names: c.224A>G, p.Tyr75Cys (NM_001165962.2, NM_173717.2); short protein forms Y75C.
Identifiers: ClinVar variation 1001001 (VCV001001001.2), dbSNP rs137859574, ClinGen allele CA8401806.

ClinVar aggregate classification (germline): Uncertain significance (1 of 4 stars; one submission).

Conditions:
Combined oxidative phosphorylation defect type 17. Also called: Combined oxidative phosphorylation deficiency 17. Identifiers: Orphanet 369913, MedGen C3809526, MONDO:0014190, OMIM 615440.

Allele frequency attached by ClinVar (database versions not stated): gnomAD 0.00001; gnomAD exomes 0.00001 and 0.00002; TOPMed 0.00001; ExAC 0.00002; ESP Exome Variant Server 0.00008; 1000 Genomes Project 30x 0.00016; 1000 Genomes Project 0.00020.
gnomAD v4.1: 32 of 1,612,830 alleles (0.002%); highest among the groups gnomAD compares: Non-Finnish European, 0.0026%; no homozygotes.

Submission:

Labcorp Genetics (formerly Invitae), Labcorp
Classification: Uncertain significance for Combined oxidative phosphorylation defect type 17. Last evaluated: 2021-11-05. Review status: criteria provided, single submitter. Criteria: Invitae Variant Classification Sherloc (09022015). Collection method: clinical testing. Allele origin: germline.
Comment: This sequence change replaces tyrosine, which is neutral and polar, with cysteine, which is neutral and slightly polar, at codon 75 of the ELAC2 protein (p.Tyr75Cys). This variant is present in population databases (rs137859574, gnomAD 0.004%). This variant has not been reported in the literature in individuals affected with ELAC2-related conditions. ClinVar contains an entry for this variant (Variation ID: 1001001). Algorithms developed to predict the effect of missense changes on protein structure and function are either unavailable or do not agree on the potential impact of this missense change (SIFT: "Deleterious"; PolyPhen-2: "Probably Damaging"; Align-GVGD: "Class C0"). In summary, the available evidence is currently insufficient to determine the role of this variant in disease. Therefore, it has been classified as a Variant of Uncertain Significance.